The following is an entry in ClinVar:

NM_001127511.3(APC):c.-46A>G

Gene: APC (APC regulator of Wnt signaling pathway; plus strand). Cytogenetic location: 5q22.2.
Variant type: single nucleotide variant.
Coding change: c.-46A>G on transcript NM_001127511.3; 46 bases upstream of the start codon, A replaced by G.
Molecular consequence: 5 prime UTR variant. On other transcripts: non-coding transcript variant (1), intron variant (5).
Genome position (GRCh38, 1-based): chr5:112,707,672, A>G. VCF-style: chr5-112707672-A-G. GRCh37 (hg19) VCF-style: chr5-112043369-A-G.
Other names: c.-229A>G (NM_001354895.2, NM_001407447.1, NM_001407452.1 and 3 more transcripts); c.-46A>G (NM_001354897.2, NM_001354902.2, NM_001407446.1); c.-1264A>G (NM_001407470.1, NM_001407472.1); c.-19+23A>G (NM_001407448.1, NM_001407450.1, NM_001407457.1 and 1 more transcripts); c.-43+23A>G (NM_001407453.1).
Identifiers: ClinVar variation 1010020 (VCV001010020.7), dbSNP rs1750595463, ClinGen allele CA1080214981.
Genomic context (GRCh38, chr5:112,707,672, plus strand): 5'-GGAGCTGCGGACCGAGGTTGGCTCGATGCTGTTCCCAGGTACTGTTGTTGGCTGTTGGTG[A>G]GGAAGGTGAAGCACTCAGTTGCCTTCTCGGGCCTCGGCGCCCCCTATGTACGCCTCCCTG-3'

ClinVar aggregate classification (germline): Uncertain significance (1 of 4 stars; one submission).

Conditions:
Familial adenomatous polyposis 1 (FAP1). Also called: FAMILIAL ADENOMATOUS POLYPOSIS 1, ATTENUATED; POLYPOSIS, ADENOMATOUS INTESTINAL. Identifiers: MedGen C2713442, MONDO:0021056, OMIM 175100. Disease mechanism: loss of function.

Allele frequency attached by ClinVar (database versions not stated): gnomAD 0.00001.

Submission:

Labcorp Genetics (formerly Invitae), Labcorp
Classification: Uncertain significance for Familial adenomatous polyposis 1. Last evaluated: 2024-10-29. Review status: criteria provided, single submitter. Criteria: Invitae Variant Classification Sherloc (09022015). Collection method: clinical testing. Allele origin: germline.
Comment: This variant occurs in a non-coding region of the APC gene. It does not change the encoded amino acid sequence of the APC protein. This variant is not present in population databases (gnomAD no frequency). This variant has not been reported in the literature in individuals affected with APC-related conditions. Experimental studies and prediction algorithms are not available or were not evaluated, and the functional significance of this variant is currently unknown. In summary, the available evidence is currently insufficient to determine the role of this variant in disease. Therefore, it has been classified as a Variant of Uncertain Significance.